The following is an entry in ClinVar:

NM_012134.3(LMOD1):c.137C>T (p.Pro46Leu)

Gene: LMOD1 (leiomodin 1; minus strand). Cytogenetic location: 1q32.1.
Variant type: single nucleotide variant.
Coding change: c.137C>T on transcript NM_012134.3 (MANE Select); coding-DNA position 137, C replaced by T.
Protein change: p.Pro46Leu; replaces proline 46 with leucine.
Molecular consequence: missense variant.
Genome position (GRCh38, 1-based): chr1:201,946,204, G>A on the plus strand (C>T on the coding strand, the complement: LMOD1 is on the minus strand). VCF-style: chr1-201946204-G-A. GRCh37 (hg19) VCF-style: chr1-201915332-G-A.
Other names: short protein forms P46L.
Identifiers: ClinVar variation 5038539 (VCV005038539.1).

ClinVar aggregate classification (germline): Uncertain significance (1 of 4 stars; one submission).

gnomAD v4.1: 1,312 of 1,613,864 alleles (0.081%); highest among the groups gnomAD compares: Non-Finnish European, 0.11%; no homozygotes.

Submission:

CeGaT Center for Human Genetics Tuebingen
Classification: Uncertain significance. Last evaluated: 2026-07-01. Review status: criteria provided, single submitter. Criteria: CeGaT Center For Human Genetics Tuebingen Variant Classification Criteria Version 2. Collection method: clinical testing. Allele origin: germline. Affected: yes. Observed: 1 variant allele.
Comment: LMOD1: PM2, BP4